The following is an entry in ClinVar:

ClinVar aggregate classification (germline): Conflicting classifications of pathogenicity. Review status: criteria provided, conflicting classifications (1 of 4 stars). 12 submissions from 10 submitters: Uncertain significance (11); Likely benign (1). Last evaluated 2026-08-07.

Conditions:
Dilated cardiomyopathy 1S (CMD1S). Identifiers: Orphanet 154, Orphanet 54260, MedGen C1834481, MONDO:0013262, OMIM 613426.
Hypertrophic cardiomyopathy. Also called: HYPERTROPHIC MYOCARDIOPATHY. Identifiers: Orphanet 217569, MedGen C0007194, MeSH D002312, MONDO:0005045, HP:0001639.
MYH7-related disorder. Also called: MYH7-related disorders; MYH7-related condition; MYH7-related disease.
Cardiovascular phenotype. Identifiers: MedGen CN230736.
Hypertrophic cardiomyopathy 1 (CMH1). Also called: Familial hypertrophic cardiomyopathy 1; MYH7-Related Familial Hypertrophic Cardiomyopathy. Identifiers: MedGen C3495498, MONDO:0008647, OMIM 192600.
MYH7-related skeletal myopathy. Also called: Laing distal myopathy; Myopathy, distal, 1; Laing early-onset distal myopathy; MYOPATHY, DISTAL, EARLY-ONSET, AUTOSOMAL DOMINANT; MYOPATHY, LATE DISTAL HEREDITARY. Identifiers: Orphanet 59135, MedGen C4552004, MONDO:0008050, OMIM 160500.
Myosin storage myopathy (CMYO7A). Also called: SCAPULOPERONEAL MUSCULAR DYSTROPHY; SCAPULOPERONEAL SYNDROME, MYOPATHIC TYPE; MYOPATHY, HYALINE BODY, AUTOSOMAL DOMINANT; MYH7-related late-onset scapuloperoneal muscular dystrophy; Congenital myopathy 7A, myosin storage, autosomal dominant; Scapuloperoneal myopathy, MYH7-related. Identifiers: Orphanet 437572, Orphanet 636965, MedGen C1842160, MONDO:0008409, OMIM 608358.
Cardiomyopathy (CMYO). Also called: Cardiomyopathies. Identifiers: Orphanet 167848, MedGen C0878544, MONDO:0004994, HP:0001638. Inheritance: Various modes of inheritance.

Allele frequency attached by ClinVar (database versions not stated): TOPMed 0.00001; gnomAD exomes 0.00002; ExAC 0.00004.
gnomAD v4.1: 14 of 1,614,060 alleles (0.00087%); highest among the groups gnomAD compares: Middle Eastern, 0.049%; no homozygotes.

Submissions (12):

PreventionGenetics, part of Exact Sciences
Classification: Uncertain significance for MYH7-related condition. Last evaluated: 2026-08-07. Review status: criteria provided, single submitter. Criteria: ACMG Guidelines, 2015. Collection method: clinical testing. Allele origin: germline.
Comment: The MYH7 c.3035C>A variant is predicted to result in the amino acid substitution p.Ala1012Asp. This variant has been reported as a variant of uncertain significance in an individual with dilated cardiomyopathy (Table S4, Ramchand et al. 2020. PubMed ID: 31931689). This variant has also been reported in another individual with complex phenotypes, including cardiomyopathy (Marinakis et al. 2021. PubMed ID: 34008892). This variant is reported in 0.0053% of alleles in individuals of European (Non-Finnish) descent in gnomAD. At this time, the clinical significance of this variant is uncertain due to the absence of conclusive functional and genetic evidence.

Labcorp Genetics (formerly Invitae), Labcorp
Classification: Uncertain significance for Hypertrophic cardiomyopathy. Last evaluated: 2025-11-30. Review status: criteria provided, single submitter. Criteria: Invitae Variant Classification Sherloc (09022015). Collection method: clinical testing. Allele origin: germline.
Comment: This sequence change replaces alanine, which is neutral and non-polar, with aspartic acid, which is acidic and polar, at codon 1012 of the MYH7 protein (p.Ala1012Asp). This variant is present in population databases (rs779973529, gnomAD 0.004%). This missense change has been observed in individual(s) with dilated cardiomyopathy (PMID: 31931689). ClinVar contains an entry for this variant (Variation ID: 312903). Invitae Evidence Modeling of protein sequence and biophysical properties (such as structural, functional, and spatial information, amino acid conservation, physicochemical variation, residue mobility, and thermodynamic stability) indicates that this missense variant is expected to disrupt MYH7 protein function with a positive predictive value of 95%. In summary, the available evidence is currently insufficient to determine the role of this variant in disease. Therefore, it has been classified as a Variant of Uncertain Significance.

Color Diagnostics, LLC DBA Color Health
Classification: Uncertain significance for Cardiomyopathy. Last evaluated: 2025-06-08. Review status: criteria provided, single submitter. Criteria: ACMG Guidelines, 2015. Collection method: clinical testing. Allele origin: germline.
Comment: This missense variant replaces alanine with aspartic acid at codon 1012 of the MYH7 protein. Computational prediction suggests that this variant may not impact protein structure and function. To our knowledge, functional studies have not been reported for this variant. This variant has been reported in an individual affected with dilated cardiomyopathy (PMID: 31931689). It has also been reported in an individual affected with cardiomyopathy, nephrotic syndrome, focal segmental glomerulosclerosis, and beta-thalassemia (PMID: 34008892). This variant has been identified in 6/251492 chromosomes in the general population by the Genome Aggregation Database (gnomAD). The available evidence is insufficient to determine the role of this variant in disease conclusively. Therefore, this variant is classified as a Variant of Uncertain Significance.

GeneDx
Classification: Uncertain significance. Last evaluated: 2025-01-15. Review status: criteria provided, single submitter. Criteria: GeneDx Variant Classification Process June 2021. Collection method: clinical testing. Allele origin: germline. Affected: yes.
Comment: Identified in an individual with dilated cardiomyopathy and reported as a variant of uncertain clinical significance (PMID: 31931689); In silico analysis supports that this missense variant has a deleterious effect on protein structure/function; This variant is associated with the following publications: (PMID: 34008892, 31931689)

Revvity Omics, Revvity
Classification: Uncertain significance. Last evaluated: 2024-11-06. Review status: criteria provided, single submitter. Criteria: ACMG Guidelines, 2015. Collection method: clinical testing. Allele origin: germline.

All of Us Research Program, National Institutes of Health
Classification: Uncertain significance for Cardiomyopathy. Last evaluated: 2024-03-14. Review status: criteria provided, single submitter. Criteria: ACMG Guidelines, 2015. Collection method: clinical testing. Allele origin: germline. Inheritance: Autosomal dominant inheritance. Observed: 2 variant alleles, 2 heterozygotes.
Comment: This missense variant replaces alanine with aspartic acid at codon 1012 of the MYH7 protein. Computational prediction suggests that this variant may not impact protein structure and function (internally defined REVEL score threshold <= 0.5, PMID: 27666373). To our knowledge, functional studies have not been reported for this variant. This variant has been reported in one individual affected with dilated cardiomyopathy (PMID: 31931689). It has also been reported in one individual affected with cardiomyopathy, nephrotic syndrome, focal segmental glomerulosclerosis, and beta-thalassemia (PMID: 34008892). This variant has been identified in 6/251492 chromosomes in the general population by the Genome Aggregation Database (gnomAD). The available evidence is insufficient to determine the role of this variant in disease conclusively. Therefore, this variant is classified as a Variant of Uncertain Significance.

This study involves interpretation of variants in research participants for the purpose of population health screening. Participant phenotype was not available at the time of variant classification. Additional details can be found in publication PMID: 35346344, PMCID: PMC8962531

Laboratory of Medical Genetics, National & Kapodistrian University of Athens
Classification: Uncertain significance for Dilated cardiomyopathy 1S. Last evaluated: 2021-10-06. Review status: criteria provided, single submitter. Criteria: ACMG Guidelines, 2015. Collection method: clinical testing. Allele origin: unknown. Affected: yes.
Comment: PM2, PP2, PP3

Ambry Genetics
Classification: Uncertain significance for Cardiovascular phenotype. Last evaluated: 2021-07-19. Review status: criteria provided, single submitter. Criteria: Ambry Variant Classification Scheme 2023. Collection method: clinical testing. Allele origin: germline.
Comment: The p.A1012D variant (also known as c.3035C>A), located in coding exon 22 of the MYH7 gene, results from a C to A substitution at nucleotide position 3035. The alanine at codon 1012 is replaced by aspartic acid, an amino acid with dissimilar properties. This variant was detected in a dilated cardiomyopathy cohort; however, clinical details were limited (Ramchand J et al. J Am Heart Assoc, 2020 01;9:e013346). This amino acid position is well conserved in available vertebrate species. In addition, the in silico prediction for this alteration is inconclusive. Since supporting evidence is limited at this time, the clinical significance of this alteration remains unclear.

CHEO Genetics Diagnostic Laboratory, Children's Hospital of Eastern Ontario
Classification: Uncertain significance for Cardiomyopathy. Last evaluated: 2020-11-19. Review status: criteria provided, single submitter. Criteria: ACMG Guidelines, 2015. Collection method: clinical testing. Allele origin: germline.

Illumina Laboratory Services, Illumina
Classification: Uncertain significance for Myosin storage myopathy. Last evaluated: 2018-01-12. Review status: criteria provided, single submitter. Criteria: ICSL Variant Classification Criteria 13 December 2019. Collection method: clinical testing. Allele origin: germline.

Illumina Laboratory Services, Illumina
Classification: Likely benign for MYH7-related skeletal myopathy. Last evaluated: 2018-01-12. Review status: criteria provided, single submitter. Criteria: ICSL Variant Classification Criteria 13 December 2019. Collection method: clinical testing. Allele origin: germline.
Comment: This variant was observed in the ICSL laboratory as part of a predisposition screen in an ostensibly healthy population. It had not been previously curated by ICSL or reported in the Human Gene Mutation Database (HGMD: prior to June 1st, 2018), and was therefore a candidate for classification through an automated scoring system. Utilizing variant allele frequency, disease prevalence and penetrance estimates, and inheritance mode, an automated score was calculated to assess if this variant is too frequent to cause the disease. Based on the score and internal cut-off values, a variant classified as likely benign is not then subjected to further curation. The score for this variant resulted in a classification of likely benign for this disease.

Illumina Laboratory Services, Illumina
Classification: Uncertain significance for Hypertrophic cardiomyopathy 1. Last evaluated: 2018-01-12. Review status: criteria provided, single submitter. Criteria: ICSL Variant Classification Criteria 13 December 2019. Collection method: clinical testing. Allele origin: germline.

Literature cited by the submitters: PubMed 31931689 (cited by 4 submitters); PubMed 34008892 (cited by 3 submitters).

NM_000257.4(MYH7):c.3035C>A (p.Ala1012Asp)

Gene: MYH7 (myosin heavy chain 7; minus strand). Cytogenetic location: 14q11.2.
Variant type: single nucleotide variant.
Coding change: c.3035C>A on transcript NM_000257.4 (MANE Select); coding-DNA position 3035, C replaced by A.
Protein change: p.Ala1012Asp; replaces alanine 1012 with aspartic acid.
Molecular consequence: missense variant.
Genome position (GRCh38, 1-based): chr14:23,423,611, G>T on the plus strand (C>A on the coding strand, the complement: MYH7 is on the minus strand). VCF-style: chr14-23423611-G-T. GRCh37 (hg19) VCF-style: chr14-23892820-G-T.
Other names: c.3035C>A (LRG_384t1); short protein forms A1012D.
Identifiers: ClinVar variation 312903 (VCV000312903.28), dbSNP rs779973529, ClinGen allele CA035299.